The following is an entry in ClinVar:

NM_000350.3(ABCA4):c.5076_5097del (p.Val1693fs)

Gene: ABCA4 (ATP binding cassette subfamily A member 4; minus strand). Cytogenetic location: 1p22.1.
Variant type: Deletion.
Coding change: c.5076_5097del on transcript NM_000350.3 (MANE Select); coding-DNA positions 5076 to 5097, 22 bases deleted (CGTCCCAGCCAGCTTTGTCCTT).
Protein change: p.Val1693fs; shifts the reading frame from valine 1693.
Molecular consequence: frameshift variant.
Genome position (GRCh38, 1-based): chr1:94,019,681-94,019,702, AAGGACAAAGCTGGCTGGGACG deleted on the plus strand (CGTCCCAGCCAGCTTTGTCCTT on the coding strand, the reverse complement: ABCA4 is on the minus strand); deleting any 22 consecutive bases within chr1:94,019,681-94,019,709 gives the same sequence; the c. name uses the placement nearest the transcript's 3' end. VCF-style (leftmost placement, unchanged base first): chr1-94019680-AAAGGACAAAGCTGGCTGGGACG-A. GRCh37 (hg19) VCF-style: chr1-94485236-AAAGGACAAAGCTGGCTGGGACG-A.
Other names: c.4847_4868del22, p.Val1619Ilefs (NM_001425324.1); short protein forms V1693fs.
Identifiers: ClinVar variation 1453042 (VCV001453042.6), dbSNP rs2101020760, ClinGen allele CA2573132685.

ClinVar aggregate classification (germline): Pathogenic (1 of 4 stars; one submission).

Submission:

Labcorp Genetics (formerly Invitae), Labcorp
Classification: Pathogenic. Last evaluated: 2021-07-22. Review status: criteria provided, single submitter. Criteria: Invitae Variant Classification Sherloc (09022015). Collection method: clinical testing. Allele origin: germline.
Comment: This variant has not been reported in the literature in individuals affected with ABCA4-related conditions. For these reasons, this variant has been classified as Pathogenic. This variant is not present in population databases (ExAC no frequency). This sequence change creates a premature translational stop signal (p.Val1693Ilefs*2) in the ABCA4 gene. It is expected to result in an absent or disrupted protein product. Loss-of-function variants in ABCA4 are known to be pathogenic (PMID: 10958761, 24938718, 25312043, 26780318).

Literature cited by the submitters: PubMed 10958761; PubMed 24938718; PubMed 25312043; PubMed 26780318.